The following is an entry in ClinVar:

NM_015122.3(FCHO1):c.2093+94C>T

Gene: FCHO1 (FCH and mu domain containing endocytic adaptor 1; plus strand). Cytogenetic location: 19p13.11.
Variant type: single nucleotide variant.
Coding change: c.2093+94C>T on transcript NM_015122.3 (MANE Select); 94 bases into the intron after coding-DNA position 2093, C replaced by T.
Molecular consequence: intron variant.
Genome position (GRCh38, 1-based): chr19:17,783,266, C>T. VCF-style: chr19-17783266-C-T. GRCh37 (hg19) VCF-style: chr19-17894075-C-T.
Other names: c.2093+94C>T (NM_001384370.1, NM_001384376.1, NM_001384375.1 and 13 more transcripts); c.1817+94C>T (NM_001384396.1, NM_001384404.1, NM_001384398.1 and 5 more transcripts); c.2018+94C>T (NM_001384390.1); c.1667+94C>T (NM_001384406.1); c.1523+94C>T (NM_001384407.1); c.1976+94C>T (NM_001384393.1, NM_001384394.1, NM_001384392.1 and 1 more transcripts); c.1772+94C>T (NM_001384403.1); c.2054+94C>T (NM_001384388.1, NM_001384405.1, NM_001384389.1); and 1 more.
Identifiers: ClinVar variation 2687963 (VCV002687963.2), dbSNP rs1234389, ClinGen allele CA14698688.

ClinVar aggregate classification (germline): Benign (1 of 4 stars; one submission).

Allele frequency attached by ClinVar (database versions not stated): 1000 Genomes Project 30x 0.85275; 1000 Genomes Project 0.85683; TOPMed 0.87731; gnomAD 0.88612; gnomAD exomes 0.90777.
gnomAD v4.1: 1,078,626 of 1,192,404 alleles (90%); highest among the groups gnomAD compares: Non-Finnish European, 92%; 487,989 homozygotes.

Submission:

Unidad de Genómica Garrahan, Hospital de Pediatría Garrahan
Classification: Benign. Last evaluated: 2024-01-24. Review status: criteria provided, single submitter. Criteria: ACMG Guidelines, 2015. Collection method: clinical testing. Allele origin: germline. Affected: no. Observed: 81 variant alleles.
Comment: This variant is classified as Benign based on local population frequency. This variant was detected in 85% of patients studied by a panel of primary immunodeficiencies. Number of patients: 81. Only high quality variants are reported.